The following is an entry in ClinVar:

ClinVar aggregate classification (germline): Likely benign. Review status: criteria provided, multiple submitters, no conflicts (2 of 4 stars). 3 submissions from 3 submitters: Likely benign (2). 1 of the submissions does not count toward it. Last evaluated 2025-12-29.

Conditions:
PHYH-related disorder. Also called: PHYH-related condition.

Allele frequency attached by ClinVar (database versions not stated): gnomAD exomes 0.00002 and 0.00004; ExAC 0.00006; ESP Exome Variant Server 0.00008; 1000 Genomes Project 30x 0.00016; TOPMed 0.00018; gnomAD 0.00019; 1000 Genomes Project 0.00020.
gnomAD v4.1: 53 of 1,608,832 alleles (0.0033%); highest among the groups gnomAD compares: African/African-American, 0.064%; no homozygotes.

Submissions (3):

Labcorp Genetics (formerly Invitae), Labcorp
Classification: Likely benign. Last evaluated: 2025-12-29. Review status: criteria provided, single submitter. Criteria: Invitae Variant Classification Sherloc (09022015). Collection method: clinical testing. Allele origin: germline.

Blueprint Genetics
Classification: Likely benign. Last evaluated: 2024-07-01. Review status: criteria provided, single submitter. Criteria: ACMG Guidelines, 2015. Collection method: clinical testing. Allele origin: germline.

PreventionGenetics, part of Exact Sciences
Classification: Likely benign for PHYH-related condition. Last evaluated: 2023-01-20. Review status: no assertion criteria provided. Collection method: clinical testing. Allele origin: germline. Not counted in ClinVar's aggregate classification.
Comment: This variant is classified as likely benign based on ACMG/AMP sequence variant interpretation guidelines (Richards et al. 2015 PMID: 25741868, with internal and published modifications).

NM_006214.4(PHYH):c.1014T>C (p.Leu338=)

Gene: PHYH (phytanoyl-CoA 2-hydroxylase; minus strand). Cytogenetic location: 10p13.
Variant type: single nucleotide variant.
Coding change: c.1014T>C on transcript NM_006214.4 (MANE Select); coding-DNA position 1014, T replaced by C.
Protein change: p.Leu338=; no amino-acid change (leucine 338 retained).
Molecular consequence: synonymous variant.
Genome position (GRCh38, 1-based): chr10:13,278,304, A>G on the plus strand (T>C on the coding strand, the complement: PHYH is on the minus strand). VCF-style: chr10-13278304-A-G. GRCh37 (hg19) VCF-style: chr10-13320304-A-G.
Other names: c.714T>C, p.Leu238= (NM_001037537.2, NM_001323080.2); c.1020T>C, p.Leu340= (NM_001323082.2); c.750T>C, p.Leu250= (NM_001323083.2); c.720T>C, p.Leu240= (NM_001323084.2); c.1014T>C (NM_006214.3).
Identifiers: ClinVar variation 1639769 (VCV001639769.11), dbSNP rs201516744, ClinGen allele CA5412168.